The following is an entry in ClinVar:

NM_001277115.2(DNAH11):c.7570T>C (p.Leu2524=)

Gene: DNAH11 (dynein axonemal heavy chain 11; plus strand). Cytogenetic location: 7p15.3.
Variant type: single nucleotide variant.
Coding change: c.7570T>C on transcript NM_001277115.2 (MANE Select); coding-DNA position 7570, T replaced by C.
Protein change: p.Leu2524=; no amino-acid change (leucine 2524 retained).
Molecular consequence: synonymous variant.
Genome position (GRCh38, 1-based): chr7:21,735,769, T>C. VCF-style: chr7-21735769-T-C. GRCh37 (hg19) VCF-style: chr7-21775387-T-C.
Other names: p.Leu2524=.
Identifiers: ClinVar variation 163109 (VCV000163109.25), dbSNP rs2072220, ClinGen allele CA175727.

ClinVar aggregate classification (germline): Benign/Likely benign. Review status: criteria provided, multiple submitters, no conflicts (2 of 4 stars). 7 submissions from 7 submitters: Benign (5); Likely benign (2). Last evaluated 2026-02-04.

Conditions:
Primary ciliary dyskinesia. Also called: Ciliary dyskinesia. Identifiers: Orphanet 244, MedGen C0008780, MONDO:0016575, HP:0012265.

Allele frequency attached by ClinVar (database versions not stated): ESP Exome Variant Server 0.09337; gnomAD 0.11781; TOPMed 0.13574; 1000 Genomes Project 0.16653; 1000 Genomes Project 30x 0.16833.
gnomAD v4.1: 97,820 of 1,613,770 alleles (6.1%); highest among the groups gnomAD compares: African/African-American, 25%; 6,619 homozygotes.

Submissions (7):

Labcorp Genetics (formerly Invitae), Labcorp
Classification: Benign for Primary ciliary dyskinesia. Last evaluated: 2026-02-04. Review status: criteria provided, single submitter. Criteria: Invitae Variant Classification Sherloc (09022015). Collection method: clinical testing. Allele origin: germline.

Blueprint Genetics
Classification: Likely benign. Last evaluated: 2024-11-27. Review status: criteria provided, single submitter. Criteria: ACMG Guidelines, 2015. Collection method: clinical testing. Allele origin: germline.

Mayo Clinic Laboratories, Mayo Clinic
Classification: Benign. Last evaluated: 2022-04-26. Review status: criteria provided, single submitter. Criteria: ACMG Guidelines, 2015. Collection method: clinical testing. Allele origin: germline. Observed: 24 variant alleles.

GeneDx
Classification: Benign. Last evaluated: 2018-12-31. Review status: criteria provided, single submitter. Criteria: GeneDx Variant Classification Process June 2021. Collection method: clinical testing. Allele origin: germline. Affected: yes.

Laboratory for Molecular Medicine, Mass General Brigham Personalized Medicine
Classification: Benign. Last evaluated: 2013-02-21. Review status: criteria provided, single submitter. Criteria: LMM Criteria. Collection method: clinical testing. Allele origin: germline. Observed: 17 variant alleles.
Comment: Leu2524Leu in exon 46 of DNAH11: This variant is not expected to have clinical s ignificance because it does not alter an amino acid residue and is not located w ithin the splice consensus sequence. It has been identified in 22.3% (860/3850) of African American chromosomes from a broad population by the NHLBI Exome Seque ncing Project (dbSNP rs2072220).

Breakthrough Genomics
Classification: Likely benign. Review status: criteria provided, single submitter. Criteria: ACMG Guidelines, 2015. Collection method: not provided. Allele origin: germline. Inheritance: Autosomal recessive inheritance. Affected: yes.

PreventionGenetics, part of Exact Sciences
Classification: Benign. Review status: criteria provided, single submitter. Criteria: ACMG Guidelines, 2015. Collection method: clinical testing. Allele origin: germline.